The following is an entry in ClinVar:

NM_007194.4(CHEK2):c.846+1G>C

Gene: CHEK2 (checkpoint kinase 2; minus strand). Cytogenetic location: 22q12.1.
Variant type: single nucleotide variant.
Coding change: c.846+1G>C on transcript NM_007194.4 (MANE Select); the canonical splice donor site of the intron after coding-DNA position 846, G replaced by C.
Molecular consequence: splice donor variant.
Genome position (GRCh38, 1-based): chr22:28,710,005, C>G on the plus strand (G>C on the coding strand, the complement: CHEK2 is on the minus strand). VCF-style: chr22-28710005-C-G. GRCh37 (hg19) VCF-style: chr22-29105993-C-G.
Other names: c.183+1G>C (NM_001437942.1, NM_001257387.3); c.645+1G>C (NM_001349956.3); c.846+1G>C (NM_145862.3); c.939+1G>C (NM_001438295.1, NM_001438293.1); c.975+1G>C (NM_001438294.1, NM_001005735.3).
Identifiers: ClinVar variation 219543 (VCV000219543.44), dbSNP rs864622149, ClinGen allele CA350863.
Genomic context (GRCh38, chr22:28,710,005, plus strand): 5'-TATACTCTTCTCATATTTTGAGATAGATAAATCTAAGTATGAGTCATATAATAATACTTA[C>G]ATGATTTAGCTTTTTCAAAATTTCTATTTCTGTTTCAACATTGAGAGCTGGGTCCTTTGA-3'

ClinVar aggregate classification (germline): Pathogenic/Likely pathogenic. Review status: criteria provided, multiple submitters, no conflicts (2 of 4 stars). 17 submissions from 17 submitters: Pathogenic (2); Likely pathogenic (14). 1 of the submissions does not count toward it. Last evaluated 2026-05-20.

Conditions:
Familial prostate cancer. Also called: Hereditary Prostate Cancer. Identifiers: MedGen C2931456, MONDO:0700275, OMIM 176807.
CHEK2-related cancer predisposition (TPDS4). Also called: TUMOR PREDISPOSITION SYNDROME 4; CANCER PREDISPOSITION SYNDROME, CHEK2-RELATED; CHEK2-related cancer susceptibility. Identifiers: Orphanet 524, MedGen C5882668, MONDO:0700271, OMIM 609265.
Bone osteosarcoma. Also called: Osteosarcoma, somatic. Identifiers: Orphanet 668, MedGen C0585442, MONDO:0002629, OMIM 259500.
Breast cancer, familial male. Identifiers: MedGen C1861906.
Hereditary cancer-predisposing syndrome. Also called: Neoplastic Syndromes, Hereditary; Tumor predisposition; Hereditary neoplastic syndrome; Hereditary Cancer Syndrome. Identifiers: Orphanet 140162, MedGen C0027672, MeSH D009386, MONDO:0015356.
Familial cancer of breast. Also called: hereditary breast carcinoma; BREAST CANCER, FAMILIAL; Hereditary breast cancer. Identifiers: Orphanet 227535, MedGen C0346153, MONDO:0016419, OMIM 114480. Disease mechanism: loss of function.

Allele frequency attached by ClinVar (database versions not stated): gnomAD 0.00001; TOPMed 0.00001.
gnomAD v4.1: 2 of 1,475,108 alleles (0.00014%); highest among the groups gnomAD compares: Admixed American, 0.0017%; no homozygotes.

Submissions 1 to 11 of 17:

Molecular Diagnostics Laboratory, Catalan Institute of Oncology
Classification: Likely pathogenic for Hereditary cancer-predisposing syndrome. Last evaluated: 2026-05-20. Review status: criteria provided, single submitter. Criteria: ACMG Guidelines, 2015. Collection method: clinical testing. Allele origin: germline.
Comment: PVS1 (RNA), PM2_Supporting c.846+1G>C, located in a canonical splicing site of the CHEK2, is predicted to alter splicing, probably causing the skipping of exon 7 (r.793_846del). This alteration is expected to preserve the reading frame, p.(Asp265_His282del), and the altered region (kinase-domain) is critical to protein function (PVS1 (RNA)). It is not present in the population database gnomAD v2.1.1, non-cancer dataset (PM2_Supporting). It has been reported in 1 out of 60466 breast cancer cases and none of the 53461 healthy controls in a case-control study (PMID: 33471991). Furthermore, c.846+1G>C is considered a recurrent variant in South America, being described in multiple cancer-affected individuals (internal data, PMID: 33471991, 34072659, 32805687, 35957908, 4149366, and others). It has been reported in ClinVar (2x pathogenic, 13x likely pathogenic, 1x uncertain significance) and in LOVD (3x likely pathogenic, 1x NA). Currently, ClinVar does not list any pathogenic or likely pathogenic missense variants in exon 7. Based on the currently available evidence, c.846+1G>C is classified as a likely pathogenic variant according to ACMG/AMP classification guidelines.

Clinical Genetics Laboratory, Skane University Hospital Lund
Classification: Likely pathogenic for Breast cancer, familial male. Last evaluated: 2026-03-26. Review status: criteria provided, single submitter. Criteria: ACMG Guidelines, 2015. Collection method: clinical testing. Allele origin: germline. Affected: yes.
Comment: ACMG criteria used: PVS1_Strong, PM2

Labcorp Genetics (formerly Invitae), Labcorp
Classification: Likely pathogenic for Familial cancer of breast. Last evaluated: 2025-12-14. Review status: criteria provided, single submitter. Criteria: Invitae Variant Classification Sherloc (09022015). Collection method: clinical testing. Allele origin: germline.
Comment: This sequence change affects a donor splice site in intron 7 of the CHEK2 gene. It is expected to disrupt RNA splicing. Variants that disrupt the donor or acceptor splice site typically lead to a loss of protein function (PMID: 16199547), and loss-of-function variants in CHEK2 are known to be pathogenic (PMID: 21876083, 24713400). This variant is not present in population databases (gnomAD no frequency). Disruption of this splice site has been observed in individual(s) with breast cancer and other cancers (PMID: 34072659, 35017683, 35534704, 35886069, 36744932; internal data). ClinVar contains an entry for this variant (Variation ID: 219543). Algorithms developed to predict the effect of sequence changes on RNA splicing suggest that this variant may disrupt the consensus splice site. In summary, the currently available evidence indicates that the variant is pathogenic, but additional data are needed to prove that conclusively. Therefore, this variant has been classified as Likely Pathogenic.

CeGaT Center for Human Genetics Tuebingen
Classification: Likely pathogenic. Last evaluated: 2025-07-01. Review status: criteria provided, single submitter. Criteria: CeGaT Center For Human Genetics Tuebingen Variant Classification Criteria Version 2. Collection method: clinical testing. Allele origin: germline. Affected: yes. Observed: 1 variant allele.
Comment: CHEK2: PM2, PS4:Moderate, PVS1:Moderate

Ambry Genetics
Classification: Likely pathogenic for Hereditary cancer-predisposing syndrome. Last evaluated: 2025-04-25. Review status: criteria provided, single submitter. Criteria: Ambry Variant Classification Scheme 2023. Collection method: clinical testing. Allele origin: germline.
Comment: The c.846+1G>C intronic variant results from a G to C substitution one nucleotide after coding exon 6 of the CHEK2 gene. This alteration was identified in a cohort of 144 unselected Jewish Israeli breast cancer cases who were negative for the BRCA1/2 Ashkenazi Jewish founder mutations (Bernstein-Molho R et al. Breast Cancer Res. Treat., 2019 Jul;176:165-170). This variant was also reported in 1/60,466 breast cancer cases and in 0/53,461 controls (Dorling et al. N Engl J Med. 2021 02;384:428-439). This alteration has also been reported in several South American breast cancer cohorts (Urbina-Jara LK et al. Genes (Basel). 2019 Oct;10(10); Solano AR et al. Cancers (Basel) 2021 May;13(11)), and in patients undergoing multigene panel testing for hereditary cancers (Sutcliffe EG et al. Cancer Genet. 2020 Aug;246-247:12-17). RNA studies have demonstrated that this alteration results in abnormal splicing in the set of samples tested (Ambry internal data). In silico splice site analysis predicts that this alteration will weaken the native splice donor site. This nucleotide position is highly conserved in available vertebrate species. Alterations that disrupt the canonical splice site are expected to cause aberrant splicing, resulting in an abnormal protein or a transcript that is subject to nonsense-mediated mRNA decay. As such, this alteration is classified as likely pathogenic.

Molecular Pathology, Peter Maccallum Cancer Centre
Classification: Likely pathogenic for Familial cancer of breast. Last evaluated: 2024-06-04. Review status: criteria provided, single submitter. Criteria: ACMG Guidelines, 2015. Collection method: clinical testing. Allele origin: germline. Inheritance: Autosomal dominant inheritance.

Department of Pathology and Laboratory Medicine, Sinai Health System
Classification: Pathogenic for Familial prostate cancer; Bone osteosarcoma; CHEK2-related cancer predisposition. Last evaluated: 2024-03-27. Review status: criteria provided, single submitter. Criteria: ACMG Guidelines, 2015. Collection method: clinical testing. Allele origin: germline. Affected: no.

Baylor Genetics
Classification: Likely pathogenic for Familial cancer of breast. Last evaluated: 2023-11-14. Review status: criteria provided, single submitter. Criteria: ACMG Guidelines, 2015. Collection method: clinical testing. Allele origin: unknown.

Myriad Genetics, Inc.
Classification: Likely pathogenic for Familial cancer of breast. Last evaluated: 2023-03-08. Review status: criteria provided, single submitter. Criteria: Myriad Autosomal Dominant, Autosomal Recessive and X-Linked Classification Criteria (2023). Collection method: clinical testing. Allele origin: unknown.
Comment: This variant is considered likely pathogenic. This variant occurs within a consensus splice junction and is predicted to result in abnormal mRNA splicing of either an out-of-frame exon or an in-frame exon necessary for protein stability and/or normal function.

Dasa
Classification: Likely pathogenic for CHEK2-related cancer predisposition. Last evaluated: 2022-04-10. Review status: criteria provided, single submitter. Criteria: ACMG Guidelines, 2015. Collection method: clinical testing. Allele origin: germline. Affected: yes. Observed: 1 variant allele.
Comment: The c.846+1G>C variant is located in a canonical splice-site, and it is not predicted the protein reading frame alteration, however, occur in a critical region and the variant disrupts <10% of protein - PVS1_moderate. This sequence change has been observed in affected individual(s) and ClinVar contains an entry for this variant (ClinVar ID: 219543; PMID: 30980208) - PS4_moderate. This variant is not present in population databases (rs864622149- gnomAD; ABraOM no frequency) - PM2. Pathogenic missense variant in this residue have been reported (ClinVar ID: 530044; Clinvar ID: 428910) - PM5. In summary, the currently available evidence indicates that the variant is likely pathogenic

Sema4
Classification: Pathogenic for Hereditary cancer-predisposing syndrome. Last evaluated: 2021-10-27. Review status: criteria provided, single submitter. Criteria: Sema4 Curation Guidelines. Collection method: curation. Allele origin: germline.
Comment: The CHEK2 c.846+1G>C variant has been reported in heterozygosity in at least 4 individuals with breast cancer (PMID: 30980208, 31658756, 34072659, 33471991). This variant affects a nucleotide within a consensus splice site of an intron. This variant may cause exon skipping, intron retention or use of a cryptic splice site. It was not observed in the large and broad cohorts of the Genome Aggregation Database. The variant has been reported in ClinVar (Variation ID 219543). Based on the current evidence available, this variant is interpreted as pathogenic.